The following is an entry in ClinVar:

NM_001122681.2(SH3BP2):c.374T>A (p.Leu125Gln)

Gene: SH3BP2 (SH3 domain binding protein 2; plus strand). Cytogenetic location: 4p16.3.
Variant type: single nucleotide variant.
Coding change: c.374T>A on transcript NM_001122681.2 (MANE Select); coding-DNA position 374, T replaced by A.
Protein change: p.Leu125Gln; replaces leucine 125 with glutamine.
Molecular consequence: missense variant.
Genome position (GRCh38, 1-based): chr4:2,825,142, T>A. VCF-style: chr4-2825142-T-A. GRCh37 (hg19) VCF-style: chr4-2826869-T-A.
Other names: c.458T>A, p.Leu153Gln (NM_001145855.2); c.545T>A, p.Leu182Gln (NM_001145856.2); c.374T>A, p.Leu125Gln (NM_003023.4); short protein forms L125Q, L153Q, L182Q.
Identifiers: ClinVar variation 2860831 (VCV002860831.3), dbSNP rs1362087322, ClinGen allele CA356053971.

ClinVar aggregate classification (germline): Uncertain significance (1 of 4 stars; one submission).

Conditions:
Fibrous dysplasia of jaw (CRBM). Also called: Cherubism. Identifiers: Orphanet 184, MedGen C0008029, MONDO:0007315, OMIM 118400.

Submission:

Labcorp Genetics (formerly Invitae), Labcorp
Classification: Uncertain significance for Fibrous dysplasia of jaw. Last evaluated: 2025-10-30. Review status: criteria provided, single submitter. Criteria: Invitae Variant Classification Sherloc (09022015). Collection method: clinical testing. Allele origin: germline.
Comment: This sequence change replaces leucine, which is neutral and non-polar, with glutamine, which is neutral and polar, at codon 125 of the SH3BP2 protein (p.Leu125Gln). This variant is not present in population databases (gnomAD no frequency). This variant has not been reported in the literature in individuals affected with SH3BP2-related conditions. ClinVar contains an entry for this variant (Variation ID: 2860831). Invitae Evidence Modeling of protein sequence and biophysical properties (such as structural, functional, and spatial information, amino acid conservation, physicochemical variation, residue mobility, and thermodynamic stability) indicates that this missense variant is not expected to disrupt SH3BP2 protein function with a negative predictive value of 95%. In summary, the available evidence is currently insufficient to determine the role of this variant in disease. Therefore, it has been classified as a Variant of Uncertain Significance.